The following is an entry in ClinVar:

ClinVar aggregate classification (germline): Uncertain significance (1 of 4 stars; one submission).

Conditions:
Joubert syndrome. Also called: CEREBELLOPARENCHYMAL DISORDER IV; JOUBERT-BOLTSHAUSER SYNDROME; Familial aplasia of the vermis. Identifiers: Orphanet 475, MedGen C5979921, MONDO:0018772.
Meckel-Gruber syndrome. Also called: DYSENCEPHALIA SPLANCHNOCYSTICA; GRUBER SYNDROME; Dysencephalia splachnocystica. Identifiers: Orphanet 564, MedGen C0265215, MONDO:0018921.

gnomAD v4.1: 27 of 1,613,816 alleles (0.0017%); highest among the groups gnomAD compares: Non-Finnish European, 0.0022%; no homozygotes.

Submission:

Labcorp Genetics (formerly Invitae), Labcorp
Classification: Uncertain significance for Joubert syndrome; Meckel-Gruber syndrome. Last evaluated: 2022-06-20. Review status: criteria provided, single submitter. Criteria: Invitae Variant Classification Sherloc (09022015). Collection method: clinical testing. Allele origin: germline.
Comment: This sequence change replaces arginine, which is basic and polar, with leucine, which is neutral and non-polar, at codon 533 of the MKS1 protein (p.Arg533Leu). This variant is present in population databases (rs779093781, gnomAD 0.002%). This variant has not been reported in the literature in individuals affected with MKS1-related conditions. Advanced modeling of protein sequence and biophysical properties (such as structural, functional, and spatial information, amino acid conservation, physicochemical variation, residue mobility, and thermodynamic stability) performed at Invitae indicates that this missense variant is not expected to disrupt MKS1 protein function. In summary, the available evidence is currently insufficient to determine the role of this variant in disease. Therefore, it has been classified as a Variant of Uncertain Significance.

NM_017777.4(MKS1):c.1598G>T (p.Arg533Leu)

Gene: MKS1 (MKS transition zone complex subunit 1; minus strand). Cytogenetic location: 17q22.
Variant type: single nucleotide variant.
Coding change: c.1598G>T on transcript NM_017777.4 (MANE Select); coding-DNA position 1598, G replaced by T.
Protein change: p.Arg533Leu; replaces arginine 533 with leucine.
Molecular consequence: missense variant. On other transcripts: synonymous variant (1), 3 prime UTR variant (1).
Genome position (GRCh38, 1-based): chr17:58,206,161, C>A on the plus strand (G>T on the coding strand, the complement: MKS1 is on the minus strand). VCF-style: chr17-58206161-C-A. GRCh37 (hg19) VCF-style: chr17-56283522-C-A.
Other names: c.989G>T, p.Arg330Leu (NM_001321268.2); c.1515G>T, p.Pro505= (NM_001321269.2); c.*10G>T (NM_001330397.2); short protein forms R330L, R533L.
Identifiers: ClinVar variation 1350596 (VCV001350596.5), dbSNP rs779093781, ClinGen allele CA292007502.